The following is an entry in ClinVar:

ClinVar aggregate classification (germline): Uncertain significance (1 of 4 stars; one submission).

Conditions:
Inborn genetic diseases. Identifiers: MedGen C0950123, MeSH D030342.

Submission:

Ambry Genetics
Classification: Uncertain significance for Inborn genetic diseases. Last evaluated: 2025-04-19. Review status: criteria provided, single submitter. Criteria: Ambry Variant Classification Scheme 2023. Collection method: clinical testing. Allele origin: germline.
Comment: The p.D696N variant (also known as c.2086G>A), located in coding exon 12 of the FANCM gene, results from a G to A substitution at nucleotide position 2086. The aspartic acid at codon 696 is replaced by asparagine, an amino acid with highly similar properties. This amino acid position is conserved. In addition, this alteration is predicted to be tolerated by in silico analysis. Based on the available evidence, the clinical significance of this variant remains unclear.

NM_020937.4(FANCM):c.2086G>A (p.Asp696Asn)

Gene: FANCM (FA complementation group M; plus strand). Cytogenetic location: 14q21.2.
Variant type: single nucleotide variant.
Coding change: c.2086G>A on transcript NM_020937.4 (MANE Select); coding-DNA position 2086, G replaced by A.
Protein change: p.Asp696Asn; replaces aspartic acid 696 with asparagine.
Molecular consequence: missense variant.
Genome position (GRCh38, 1-based): chr14:45,170,672, G>A. VCF-style: chr14-45170672-G-A. GRCh37 (hg19) VCF-style: chr14-45639875-G-A.
Other names: c.2008G>A, p.Asp670Asn (NM_001308133.2); short protein forms D670N, D696N.
Identifiers: ClinVar variation 3848825 (VCV003848825.2).